The following is an entry in ClinVar:

NM_025243.4(SLC19A3):c.17C>A (p.Thr6Asn)

Gene: SLC19A3 (solute carrier family 19 member 3; minus strand). Cytogenetic location: 2q36.3.
Variant type: single nucleotide variant.
Coding change: c.17C>A on transcript NM_025243.4 (MANE Select); coding-DNA position 17, C replaced by A.
Protein change: p.Thr6Asn; replaces threonine 6 with asparagine.
Molecular consequence: missense variant.
Genome position (GRCh38, 1-based): chr2:227,702,302, G>T on the plus strand (C>A on the coding strand, the complement: SLC19A3 is on the minus strand). VCF-style: chr2-227702302-G-T. GRCh37 (hg19) VCF-style: chr2-228567018-G-T.
Other names: short protein forms T6N.
Identifiers: ClinVar variation 659974 (VCV000659974.9), dbSNP rs773766196, ClinGen allele CA2149419.

ClinVar aggregate classification (germline): Uncertain significance (1 of 4 stars; one submission).

Conditions:
Biotin-responsive basal ganglia disease (BTBGD). Also called: Thiamine metabolism dysfunction syndrome 2 (biotin- or thiamine-responsive encephalopathy type 2); thiamine-responsive encephalopathy; THIAMINE METABOLISM DYSFUNCTION SYNDROME 2 (BIOTIN- AND THIAMINE-RESPONSIVE TYPE); Thiamine metabolism dysfunction syndrome type 2; Thiamine Transporter-2 Deficiency. Identifiers: Orphanet 199348, Orphanet 65284, MedGen C1843807, MONDO:0011841, OMIM 607483.

Allele frequency attached by ClinVar (database versions not stated): gnomAD below 0.00001 and 0.00002; TOPMed below 0.00001; gnomAD exomes 0.00001 and 0.00003; ExAC 0.00004.
gnomAD v4.1: 25 of 1,613,864 alleles (0.0015%); highest among the groups gnomAD compares: South Asian, 0.02%; no homozygotes.

Submission:

Labcorp Genetics (formerly Invitae), Labcorp
Classification: Uncertain significance for Biotin-responsive basal ganglia disease. Last evaluated: 2024-08-06. Review status: criteria provided, single submitter. Criteria: Invitae Variant Classification Sherloc (09022015). Collection method: clinical testing. Allele origin: germline.
Comment: This sequence change replaces threonine, which is neutral and polar, with asparagine, which is neutral and polar, at codon 6 of the SLC19A3 protein (p.Thr6Asn). This variant is present in population databases (rs773766196, gnomAD 0.02%). This variant has not been reported in the literature in individuals affected with SLC19A3-related conditions. ClinVar contains an entry for this variant (Variation ID: 659974). Advanced modeling of protein sequence and biophysical properties (such as structural, functional, and spatial information, amino acid conservation, physicochemical variation, residue mobility, and thermodynamic stability) performed at Invitae indicates that this missense variant is not expected to disrupt SLC19A3 protein function with a negative predictive value of 95%. In summary, the available evidence is currently insufficient to determine the role of this variant in disease. Therefore, it has been classified as a Variant of Uncertain Significance.